The following is an entry in ClinVar:

NM_032590.5(KDM2B):c.2320C>T (p.Pro774Ser)

Gene: KDM2B (lysine demethylase 2B; minus strand). Cytogenetic location: 12q24.31.
Variant type: single nucleotide variant.
Coding change: c.2320C>T on transcript NM_032590.5 (MANE Select); coding-DNA position 2320, C replaced by T.
Protein change: p.Pro774Ser; replaces proline 774 with serine.
Molecular consequence: missense variant.
Genome position (GRCh38, 1-based): chr12:121,444,143, G>A on the plus strand (C>T on the coding strand, the complement: KDM2B is on the minus strand). VCF-style: chr12-121444143-G-A. GRCh37 (hg19) VCF-style: chr12-121881946-G-A.
Other names: c.2227C>T, p.Pro743Ser (NM_001005366.2, NM_001439025.1, NM_001439026.1); c.2416C>T, p.Pro806Ser (NM_001439014.1, NM_001439015.1); c.2398C>T, p.Pro800Ser (NM_001439016.1); c.2320C>T, p.Pro774Ser (NM_001439017.1, NM_001439018.1); c.2305C>T, p.Pro769Ser (NM_001439020.1); c.2287C>T, p.Pro763Ser (NM_001439021.1); c.2257C>T, p.Pro753Ser (NM_001439022.1, NM_001439023.1, NM_001439029.1); c.2209C>T, p.Pro737Ser (NM_001439028.1); and 1 more; short protein forms P214S, P737S, P743S, P753S, P763S, P769S, P774S, P800S.
Identifiers: ClinVar variation 4887858 (VCV004887858.1).

ClinVar aggregate classification (germline): Uncertain significance (1 of 4 stars; one submission).

Submission:

GeneDx
Classification: Uncertain significance. Last evaluated: 2026-02-23. Review status: criteria provided, single submitter. Criteria: GeneDx Variant Classification Process June 2021. Collection method: clinical testing. Allele origin: germline.
Comment: Not observed at significant frequency in large population cohorts (gnomAD); In silico analysis supports that this missense variant has a deleterious effect on protein structure/function; Has not been previously published as pathogenic or benign to our knowledge